The following is an entry in ClinVar:

NC_000022.10:g.(?_21336661)_(21337398_?)del

Gene: LZTR1 (leucine zipper like post translational regulator 1; plus strand). Cytogenetic location: 22q11.21.
Variant type: Deletion.
Identifiers: ClinVar variation 1456231 (VCV001456231.5).

ClinVar aggregate classification (germline): Pathogenic (1 of 4 stars; one submission).

Submission:

Labcorp Genetics (formerly Invitae), Labcorp
Classification: Pathogenic. Last evaluated: 2022-03-18. Review status: criteria provided, single submitter. Criteria: Invitae Variant Classification Sherloc (09022015). Collection method: clinical testing. Allele origin: germline.
Comment: For these reasons, this variant has been classified as Pathogenic. This variant has not been reported in the literature in individuals affected with LZTR1-related conditions. This variant is a gross deletion of the genomic region encompassing exon(s) 1-2 of the LZTR1 gene, which includes the initiator codon. This deletion extends beyond the assayed region for this gene and therefore may encompass additional genes. It is expected to result in an absent or disrupted protein product. Loss-of-function variants in LZTR1 are known to be pathogenic (PMID: 24362817, 25335493, 25480913, 25795793, 29469822, 30442762, 30442766, 30481304, 30859559).

Literature cited by the submitters: PubMed 24362817; PubMed 25335493; PubMed 25480913; PubMed 25795793; PubMed 29469822; PubMed 30442762; PubMed 30442766; PubMed 30481304; PubMed 30859559.